The following is an entry in ClinVar:

ClinVar aggregate classification (germline): Uncertain significance (1 of 4 stars; one submission).

Submission:

Women's Health and Genetics/Laboratory Corporation of America, LabCorp
Classification: Uncertain significance. Last evaluated: 2023-06-13. Review status: criteria provided, single submitter. Criteria: LabCorp Variant Classification Summary - May 2015. Collection method: clinical testing. Allele origin: germline.
Comment: Variant summary: POLG c.235C>T (p.Leu79Phe) results in a non-conservative amino acid change located in the DNA mitochondrial polymerase, exonuclease domain (IPR041336) of the encoded protein sequence. Five of five in-silico tools predict a damaging effect of the variant on protein function. The variant was absent in 249242 control chromosomes. The available data on variant occurrences in the general population are insufficient to allow any conclusion about variant significance. c.235C>T has been reported in the literature in individuals affected with POLG Related conditions (Rouzier_2014, Bychov_2021, Masingue_2019, Tchikviladz_2015). However, the available evidence is currently insufficient to provide unequivocal conclusions about association of the variant with Mitochondrial DNA Depletion Syndrome - POLG Related. To our knowledge, no experimental evidence demonstrating an impact on protein function has been reported. The following publications have been ascertained in the context of this evaluation (PMID: 33486010, 29474836, 23921535, 25118206). No clinical diagnostic laboratories have submitted clinical-significance assessments for this variant to ClinVar after 2014. Based on the evidence outlined above, the variant was classified as uncertain significance.

Literature cited by the submitters: PubMed 33486010; PubMed 29474836; PubMed 23921535; PubMed 25118206.

NM_002693.3(POLG):c.235C>T (p.Leu79Phe)

Genes: POLG (DNA polymerase gamma, catalytic subunit; minus strand), POLGARF (POLG alternative reading frame; minus strand). Cytogenetic location: 15q26.1.
Variant type: single nucleotide variant.
Coding change: c.235C>T on transcript NM_002693.3 (MANE Select); coding-DNA position 235, C replaced by T.
Protein change: p.Leu79Phe; replaces leucine 79 with phenylalanine.
Molecular consequence: missense variant.
Genome position (GRCh38, 1-based): chr15:89,333,520, G>A on the plus strand (C>T on the coding strand, the complement: POLG is on the minus strand). VCF-style: chr15-89333520-G-A. GRCh37 (hg19) VCF-style: chr15-89876751-G-A.
Other names: c.235C>T, p.Leu79Phe (NM_001126131.2); short protein forms L79F.
Identifiers: ClinVar variation 2573491 (VCV002573491.1), dbSNP rs2509276366, ClinGen allele CA393773371.